The following is an entry in ClinVar:

ClinVar aggregate classification (germline): Likely pathogenic. Review status: criteria provided, single submitter (1 of 4 stars). 3 submissions from 3 submitters: Likely pathogenic (1). 2 of the submissions do not count toward it. Last evaluated 2022-12-23.

Conditions:
Hereditary fructosuria. Also called: Fructose intolerance; ALDOB DEFICIENCY; ALDOLASE B DEFICIENCY; FRUCTOSE-1,6-BISPHOSPHATE ALDOLASE B DEFICIENCY; FRUCTOSE-1-PHOSPHATE ALDOLASE DEFICIENCY; FRUCTOSEMIA. Identifiers: Orphanet 469, MedGen C0016751, MONDO:0009249, OMIM 229600, HP:0005973. Disease mechanism: loss of function.

Submissions (3):

Women's Health and Genetics/Laboratory Corporation of America, LabCorp
Classification: Likely pathogenic for Hereditary fructosuria. Last evaluated: 2022-12-23. Review status: criteria provided, single submitter. Criteria: LabCorp Variant Classification Summary - May 2015. Collection method: clinical testing. Allele origin: germline.
Comment: Variant summary: ALDOB c.686T>C (p.Leu229Pro) results in a non-conservative amino acid change affecting a highly conserved residue located in the Fructose-bisphosphate aldolase class-I active site (IPR029768) of the encoded protein sequence. Five of five in-silico tools predict a damaging effect of the variant on protein function. The variant was absent in 251388 control chromosomes (gnomAD). c.686T>C has been reported in the literature in at least one compound heterozygous individual, who carried a pathogenic variant in trans, and was affected with Hereditary Fructose Intolerance (Esposito_2004, Di Dato_2019). These data indicate that the variant may be associated with disease. One of these publications also reported experimental evidence evaluating an impact on protein function, demonstrating that the recombinant protein expressed in E. coli is insoluble, indicating that the variant affects proper folding (Esposito_2004). Two submitters have provided clinical-significance assessments for this variant in ClinVar after 2014 without evidence for independent evaluation, and classified the variant as pathogenic (n=1) and VUS (n=1). Based on the evidence outlined above, the variant was classified as likely pathogenic.

ATS em Genética Clínica, Universidade Federal do Rio Grande do Sul
Classification: Pathogenic for Hereditary fructosuria. Last evaluated: 2021-03-18. Review status: no assertion criteria provided. Collection method: literature only. Allele origin: unknown. Affected: yes. Not counted in ClinVar's aggregate classification.

Counsyl
Classification: Uncertain significance for Hereditary fructosuria. Last evaluated: 2017-03-14. Review status: no assertion criteria provided. Collection method: clinical testing. Allele origin: unknown. Not counted in ClinVar's aggregate classification.

Literature cited by the submitters: PubMed 15532022 (cited by 3 submitters); PubMed 31591370 (cited by Women's Health and Genetics/Laboratory Corporation of America, LabCorp); PubMed 34524712 (cited by Women's Health and Genetics/Laboratory Corporation of America, LabCorp).

NM_000035.4(ALDOB):c.686T>C (p.Leu229Pro)

Gene: ALDOB (aldolase, fructose-bisphosphate B; minus strand). Cytogenetic location: 9q31.1.
Variant type: single nucleotide variant.
Coding change: c.686T>C on transcript NM_000035.4 (MANE Select); coding-DNA position 686, T replaced by C.
Protein change: p.Leu229Pro; replaces leucine 229 with proline.
Molecular consequence: missense variant.
Genome position (GRCh38, 1-based): chr9:101,425,566, A>G on the plus strand (T>C on the coding strand, the complement: ALDOB is on the minus strand). VCF-style: chr9-101425566-A-G. GRCh37 (hg19) VCF-style: chr9-104187848-A-G.
Other names: c.686T>C, p.Leu229Pro (LRG_1244t1); short protein forms L229P.
Identifiers: ClinVar variation 550941 (VCV000550941.4), dbSNP rs1554702433, ClinGen allele CA374264835.
Genomic context (GRCh38, chr9:101,425,566, plus strand): 5'-ACTTGTTCTGGAGTATACTTCTTGGTGCAGGCATGTCCAGCAGTCACCATGTTGGGCTTT[A>G]GCAGGGTGCCCTCCAGGTAAACATGATGGTCATTCAGGGCCTTGTAGACAGCAGCCAGGA-3'
Protein context (NP_000026.2, residues 219-239): DHHVYLEGTL[Leu229Pro]KPNMVTAGHA